The following is an entry in ClinVar:

ClinVar aggregate classification (germline): Likely benign. Review status: criteria provided, single submitter (1 of 4 stars). 2 submissions from 2 submitters: Likely benign (1). 1 of the submissions does not count toward it. Last evaluated 2025-07-01.

Conditions:
MATR3-related disorder. Also called: MATR3-related condition.
Amyotrophic lateral sclerosis type 21. Also called: VOCAL CORD AND PHARYNGEAL DYSFUNCTION WITH DISTAL MYOPATHY; MYOPATHY, DISTAL, 2. Identifiers: Orphanet 600, Orphanet 803, MedGen C3807521, MONDO:0011632, OMIM 606070.

Allele frequency attached by ClinVar (database versions not stated): ExAC 0.00002; TOPMed 0.00003; gnomAD 0.00004.

Submissions (2):

Labcorp Genetics (formerly Invitae), Labcorp
Classification: Likely benign for Amyotrophic lateral sclerosis type 21. Last evaluated: 2025-07-01. Review status: criteria provided, single submitter. Criteria: Invitae Variant Classification Sherloc (09022015). Collection method: clinical testing. Allele origin: germline.

PreventionGenetics, part of Exact Sciences
Classification: Likely benign for MATR3-related condition. Last evaluated: 2023-05-11. Review status: no assertion criteria provided. Collection method: clinical testing. Allele origin: germline. Not counted in ClinVar's aggregate classification.
Comment: This variant is classified as likely benign based on ACMG/AMP sequence variant interpretation guidelines (Richards et al. 2015 PMID: 25741868, with internal and published modifications).

NM_018834.6(MATR3):c.2190G>A (p.Ala730=)

Gene: MATR3 (matrin 3; plus strand). Cytogenetic location: 5q31.2.
Variant type: single nucleotide variant.
Coding change: c.2190G>A on transcript NM_018834.6 (MANE Select); coding-DNA position 2190, G replaced by A.
Protein change: p.Ala730=; no amino-acid change (alanine 730 retained).
Molecular consequence: synonymous variant.
Genome position (GRCh38, 1-based): chr5:139,325,481, G>A. VCF-style: chr5-139325481-G-A. GRCh37 (hg19) VCF-style: chr5-138661170-G-A.
Other names: c.2190G>A (NM_199189.2); c.2190G>A, p.Ala730= (NM_001194954.2, NM_001194955.2, NM_001400447.1 and 11 more transcripts); c.1326G>A, p.Ala442= (NM_001194956.2); c.1176G>A, p.Ala392= (NM_001282278.2, NM_001400462.1, NM_001400463.1 and 4 more transcripts); c.2334G>A, p.Ala778= (NM_001400441.1, NM_001400442.1, NM_001400443.1 and 2 more transcripts); c.1329G>A, p.Ala443= (NM_001400459.1); c.1320G>A, p.Ala440= (NM_001400460.1); c.1290G>A, p.Ala430= (NM_001400461.1).
Identifiers: ClinVar variation 2074961 (VCV002074961.5), dbSNP rs766165466, ClinGen allele CA3433382.